The following is an entry in ClinVar:

NM_001267550.2(TTN):c.104949A>C (p.Gln34983His)

Genes: TTN-AS1 (TTN antisense RNA 1; plus strand), TTN (titin; minus strand). Cytogenetic location: 2q31.2.
Variant type: single nucleotide variant.
Coding change: c.104949A>C on transcript NM_001267550.2 (MANE Select); coding-DNA position 104949, A replaced by C.
Protein change: p.Gln34983His; replaces glutamine 34983 with histidine.
Molecular consequence: missense variant.
Genome position (GRCh38, 1-based): chr2:178,531,666, T>G on the plus strand (A>C on the coding strand, the complement: TTN is on the minus strand). VCF-style: chr2-178531666-T-G. GRCh37 (hg19) VCF-style: chr2-179396393-T-G.
Other names: c.100026A>C, p.Gln33342His (NM_001256850.1); c.77754A>C, p.Gln25918His (NM_003319.4); c.97245A>C, p.Gln32415His (NM_133378.4); c.78129A>C, p.Gln26043His (NM_133432.3); c.78330A>C, p.Gln26110His (NM_133437.4); short protein forms Q26043H, Q32415H, Q34983H, Q25918H, Q26110H, Q33342H.
Identifiers: ClinVar variation 2932489 (VCV002932489.3), dbSNP rs2154133702, ClinGen allele CA349409819.

ClinVar aggregate classification (germline): Uncertain significance (1 of 4 stars; one submission).

Conditions:
Autosomal recessive limb-girdle muscular dystrophy type 2J (LGMDR10). Also called: Limb-girdle muscular dystrophy, type 2J; MUSCULAR DYSTROPHY, LIMB-GIRDLE, AUTOSOMAL RECESSIVE 10. Identifiers: Orphanet 140922, MedGen C1837342, MONDO:0012127, OMIM 608807.
Dilated cardiomyopathy 1G (CMD1G). Identifiers: Orphanet 154, MedGen C1858763, MONDO:0011400, OMIM 604145.

Submission:

Labcorp Genetics (formerly Invitae), Labcorp
Classification: Uncertain significance for Dilated cardiomyopathy 1G; Autosomal recessive limb-girdle muscular dystrophy type 2J. Last evaluated: 2023-02-16. Review status: criteria provided, single submitter. Criteria: Invitae Variant Classification Sherloc (09022015). Collection method: clinical testing. Allele origin: germline.
Comment: In summary, the available evidence is currently insufficient to determine the role of this variant in disease. Therefore, it has been classified as a Variant of Uncertain Significance. Experimental studies and prediction algorithms are not available or were not evaluated, and the functional significance of this variant is currently unknown. This variant has not been reported in the literature in individuals affected with TTN-related conditions. This variant is not present in population databases (gnomAD no frequency). This sequence change replaces glutamine, which is neutral and polar, with histidine, which is basic and polar, at codon 34983 of the TTN protein (p.Gln34983His).